The following is an entry in ClinVar:

ClinVar aggregate classification (germline): Pathogenic/Likely pathogenic. Review status: criteria provided, multiple submitters, no conflicts (2 of 4 stars). 10 submissions from 8 submitters: Pathogenic (2); Likely pathogenic (7). 1 of the submissions does not count toward it. Last evaluated 2025-12-15.

Conditions:
Cardiovascular phenotype. Identifiers: MedGen CN230736.
Dilated cardiomyopathy 1D. Identifiers: Orphanet 154, Orphanet 54260, MedGen C1832243, MONDO:0011095, OMIM 601494.
Hypertrophic cardiomyopathy 2. Also called: TNNT2-Related Familial Hypertrophic Cardiomyopathy. Identifiers: MedGen C1861864, MONDO:0007266, OMIM 115195.
Cardiomyopathy, familial restrictive, 3. Identifiers: Orphanet 75249, MedGen C2676271, MONDO:0012900, OMIM 612422.
Hypertrophic cardiomyopathy. Also called: HYPERTROPHIC MYOCARDIOPATHY. Identifiers: Orphanet 217569, MedGen C0007194, MeSH D002312, MONDO:0005045, HP:0001639.
TNNT2-related disorder. Also called: TNNT2-related condition.

Submissions (10):

GeneDx
Classification: Pathogenic. Last evaluated: 2025-12-15. Review status: criteria provided, single submitter. Criteria: GeneDx Variant Classification Process June 2021. Collection method: clinical testing. Allele origin: germline. Affected: yes.
Comment: Reported in association with HCM in the published literature and in patients referred for genetic testing at GeneDx; at least one patient harbored additional cardiogenetic variants (PMID: 27600940, 11034944, 27532257, 32746448); Not observed at significant frequency in large population cohorts (gnomAD); Functional studies show that the p.(S179F) variant alters calcium sensitivity of force development in skinned porcine cardiac fibers PMID: 14722098) and increases calcium sensitivity of the whole troponin complex when expressed in E. coli (PMID: 27036851); In silico analysis supports that this missense variant has a deleterious effect on protein structure/function; This variant is associated with the following publications: (PMID: 12473556, 28420666, 27036851, 27532257, 32746448, 34758253, 24033266, 30848350, 33025817, 31179125, 31759053, 40225148, 37652022, 27600940, 11034944, 14722098)

Labcorp Genetics (formerly Invitae), Labcorp
Classification: Pathogenic for Cardiomyopathy, familial restrictive, 3; Hypertrophic cardiomyopathy 2; Dilated cardiomyopathy 1D. Last evaluated: 2025-12-13. Review status: criteria provided, single submitter. Criteria: Invitae Variant Classification Sherloc (09022015). Collection method: clinical testing. Allele origin: germline.
Comment: This sequence change replaces serine, which is neutral and polar, with phenylalanine, which is neutral and non-polar, at codon 179 of the TNNT2 protein (p.Ser179Phe). This variant is not present in population databases (gnomAD no frequency). This missense change has been observed in individuals with clinical findings consistent with hypertrophic cardiomyopathy (HCM) , including a homozygous individual with severe HCM and HCM tested at a diagnostic laboratory (PMID: 11034944, 24033266, 27532257). It has also been observed to segregate with disease in related individuals. ClinVar contains an entry for this variant (Variation ID: 177634). Invitae Evidence Modeling of protein sequence and biophysical properties (such as structural, functional, and spatial information, amino acid conservation, physicochemical variation, residue mobility, and thermodynamic stability) indicates that this missense variant is not expected to disrupt TNNT2 protein function with a negative predictive value of 80%. For these reasons, this variant has been classified as Pathogenic.

Ambry Genetics
Classification: Likely pathogenic for Cardiovascular phenotype. Last evaluated: 2024-06-05. Review status: criteria provided, single submitter. Criteria: Ambry Variant Classification Scheme 2023. Collection method: clinical testing. Allele origin: germline.
Comment: The p.S179F variant (also known as c.536C>T), located in coding exon 10 of the TNNT2 gene, results from a C to T substitution at nucleotide position 536. The serine at codon 179 is replaced by phenylalanine, an amino acid with highly dissimilar properties. This alteration was first reported in a consanguineous family with a history of hypertrophic cardiomyopathy (HCM) and sudden death. Two heterozygous individuals presented with a mild form of HCM; the variant was present in the homozygous state in an individual with a severe phenotype (Ho CY et al., Circulation 2000 Oct; 102(16):1950-5). This variant has also been detected in individuals from additional HCM cohorts or cohorts submitted for HCM genetic testing (Walsh R et al. Genet. Med., 2017 Feb;19:192-203; Burstein DS et al. Pediatr Res. 2021 May;89(6):1470-1476). Functional studies suggest this variant may impact protein function through increased calcium sensitivity and force development; however, the physiological relevance of this finding has not been fully elucidated (Messer AE et al., Arch. Biochem. Biophys. 2016; doi: 10.1016/j.abb.2016.03.027; Harada K et al. J Biol Chem. 2004 Apr;279(15):14488-95). This amino acid position is well conserved in available vertebrate species. In addition, this alteration is predicted to be deleterious by in silico analysis. This variant is considered to be rare based on population cohorts in the Genome Aggregation Database (gnomAD). Based on the majority of the available evidence, this alteration is likely to be pathogenic.

Blueprint Genetics
Classification: Likely pathogenic for TNNT2-related disorders. Last evaluated: 2023-12-20. Review status: criteria provided, single submitter. Criteria: ACMG Guidelines, 2015. Collection method: clinical testing. Allele origin: germline. Affected: yes. Observed: 1 variant allele.

Genome-Nilou Lab
Classification: Likely pathogenic for Dilated cardiomyopathy 1D. Last evaluated: 2023-04-11. Review status: criteria provided, single submitter. Criteria: ACMG Guidelines, 2015. Collection method: clinical testing. Allele origin: germline. Affected: no.

Genome-Nilou Lab
Classification: Likely pathogenic for Cardiomyopathy, familial restrictive, 3. Last evaluated: 2023-04-11. Review status: criteria provided, single submitter. Criteria: ACMG Guidelines, 2015. Collection method: clinical testing. Allele origin: germline. Affected: no.

Genome-Nilou Lab
Classification: Likely pathogenic for Hypertrophic cardiomyopathy 2. Last evaluated: 2023-04-11. Review status: criteria provided, single submitter. Criteria: ACMG Guidelines, 2015. Collection method: clinical testing. Allele origin: germline. Affected: no.

Broad Center for Mendelian Genomics, Broad Institute of MIT and Harvard
Classification: Likely pathogenic for Hypertrophic cardiomyopathy 2. Last evaluated: 2018-12-03. Review status: criteria provided, single submitter. Criteria: ACMG Guidelines, 2015. Collection method: research. Allele origin: germline. Inheritance: Autosomal dominant inheritance. Affected: yes.
Comment: This variant was absent from large population studies. Computational prediction tools and conservation analyses suggest that this variant may impact the protein, though this information is not predictive enough to determine pathogenicity. The p.Ser179Phe variant in TNNT2 has been reported in 6 individuals with familial hypertrophic cardiomyopathy, segregated with disease in 6 affected relatives from a cosanguineous, two-generation family. This variant has been reported pathogenic and likely pathogenic in ClinVar and two individuals with this variant in the heterozygous state and with familial hypertrophic cardiomyopathy were reported in ClinVar (Variation ID: 177634). In summary, although additional studies are required to fully establish its clinical significance, the p.Ser179Phe variant is likely pathogenic. ACMG/AMP Criteria applied: PM2, PP3, PP1_Strong (Richards 2015).

Laboratory for Molecular Medicine, Mass General Brigham Personalized Medicine
Classification: Likely pathogenic for Hypertrophic cardiomyopathy. Last evaluated: 2010-07-26. Review status: criteria provided, single submitter. Criteria: LMM Criteria. Collection method: clinical testing. Allele origin: germline. Observed: 7 variant alleles.
Comment: The Ser179Phe variant in TNNT2 has been reported in one consanguineous family wi th HCM where it was present in 2 heterozygous individuals with mild HCM and in 1 homozygous individual who died early due to a severe form of HCM (Ho 2000). Thi s variant has also been identified by our laboratory in 1 adult and 1 child with HCM, and was absent from large population studies. The Ser179Phe variant was pr edicted to be pathogenic using a computational tool clinically validated by our laboratory. This tool's pathogenic prediction is estimated to be correct 94% of the time (Jordan 2011), which strongly supports but does not prove that the Ser1 79Phe variant is pathogenic. In summary, this variant is likely to be pathogenic and causative for HCM, though evidence suggests a milder form when present in t he heterozygous state.

Genomics England Pilot Project, Genomics England
Classification: Likely pathogenic for Hypertrophic cardiomyopathy 2. Review status: no assertion criteria provided. Criteria: ACGS Guidelines, 2016. Collection method: clinical testing. Allele origin: germline. Affected: yes. Not counted in ClinVar's aggregate classification.

Literature cited by the submitters: PubMed 11034944 (cited by 4 submitters); PubMed 27532257 (cited by Labcorp Genetics (formerly Invitae), Labcorp); PubMed 14722098 (cited by Ambry Genetics and Laboratory for Molecular Medicine, Mass General Brigham Personalized Medicine); PubMed 27036851 (cited by Ambry Genetics); PubMed 27600940 (cited by Ambry Genetics); PubMed 32746448 (cited by Ambry Genetics); PubMed 33025817 (cited by Ambry Genetics); PubMed 36698941 (cited by Ambry Genetics); PubMed 12473556 (cited by Laboratory for Molecular Medicine, Mass General Brigham Personalized Medicine).

NM_001276345.2(TNNT2):c.566C>T (p.Ser189Phe)

Gene: TNNT2 (troponin T2, cardiac type; minus strand). Cytogenetic location: 1q32.1.
Variant type: single nucleotide variant.
Coding change: c.566C>T on transcript NM_001276345.2 (MANE Select); coding-DNA position 566, C replaced by T.
Protein change: p.Ser189Phe; replaces serine 189 with phenylalanine.
Molecular consequence: missense variant.
Genome position (GRCh38, 1-based): chr1:201,363,330, G>A on the plus strand (C>T on the coding strand, the complement: TNNT2 is on the minus strand). VCF-style: chr1-201363330-G-A. GRCh37 (hg19) VCF-style: chr1-201332458-G-A.
Other names: c.566C>T, p.Ser189Phe (NM_000364.4); c.536C>T, p.Ser179Phe (NM_001001430.3, NM_001001431.3, NM_001276347.2); c.521C>T, p.Ser174Phe (NM_001001432.3); c.446C>T, p.Ser149Phe (NM_001276346.2); short protein forms S179F, S189F, S149F, S174F.
Identifiers: ClinVar variation 177634 (VCV000177634.30), dbSNP rs727504246, ClinGen allele CA004746.